The following is an entry in ClinVar:

ClinVar aggregate classification (germline): Likely benign. Review status: criteria provided, multiple submitters, no conflicts (2 of 4 stars). 2 submissions from 2 submitters: Likely benign (2). Last evaluated 2025-12-27.

Conditions:
Dilated cardiomyopathy 1G (CMD1G). Identifiers: Orphanet 154, MedGen C1858763, MONDO:0011400, OMIM 604145.
Autosomal recessive limb-girdle muscular dystrophy type 2J (LGMDR10). Also called: Limb-girdle muscular dystrophy, type 2J; MUSCULAR DYSTROPHY, LIMB-GIRDLE, AUTOSOMAL RECESSIVE 10. Identifiers: Orphanet 140922, MedGen C1837342, MONDO:0012127, OMIM 608807.

Allele frequency attached by ClinVar (database versions not stated): gnomAD exomes below 0.00001 and 0.00001.
gnomAD v4.1: 2 of 1,613,844 alleles (0.00012%); highest among the groups gnomAD compares: Non-Finnish European, 0.00017%; no homozygotes.

Submissions (2):

Labcorp Genetics (formerly Invitae), Labcorp
Classification: Likely benign for Dilated cardiomyopathy 1G; Autosomal recessive limb-girdle muscular dystrophy type 2J. Last evaluated: 2025-12-27. Review status: criteria provided, single submitter. Criteria: Invitae Variant Classification Sherloc (09022015). Collection method: clinical testing. Allele origin: germline.

GeneDx
Classification: Likely benign. Last evaluated: 2017-06-01. Review status: criteria provided, single submitter. Criteria: GeneDx Variant Classification (06012015). Collection method: clinical testing. Allele origin: germline. Affected: yes.
Comment: This variant is considered likely benign or benign based on one or more of the following criteria: it is a conservative change, it occurs at a poorly conserved position in the protein, it is predicted to be benign by multiple in silico algorithms, and/or has population frequency not consistent with disease.

NM_001267550.2(TTN):c.92262T>C (p.Tyr30754=)

Genes: TTN-AS1 (TTN antisense RNA 1; plus strand), TTN (titin; minus strand). Cytogenetic location: 2q31.2.
Variant type: single nucleotide variant.
Coding change: c.92262T>C on transcript NM_001267550.2 (MANE Select); coding-DNA position 92262, T replaced by C.
Protein change: p.Tyr30754=; no amino-acid change (tyrosine 30754 retained).
Molecular consequence: synonymous variant.
Genome position (GRCh38, 1-based): chr2:178,549,364, A>G on the plus strand (T>C on the coding strand, the complement: TTN is on the minus strand). VCF-style: chr2-178549364-A-G. GRCh37 (hg19) VCF-style: chr2-179414091-A-G.
Other names: c.87339T>C, p.Tyr29113= (NM_001256850.1); c.65067T>C, p.Tyr21689= (NM_003319.4); c.84558T>C, p.Tyr28186= (NM_133378.4); c.65442T>C, p.Tyr21814= (NM_133432.3); c.65643T>C, p.Tyr21881= (NM_133437.4).
Identifiers: ClinVar variation 509998 (VCV000509998.10), dbSNP rs1212338157, ClinGen allele CA430244830.